The following is an entry in ClinVar:

NM_001379500.1(COL18A1):c.1588C>T (p.Pro530Ser)

Gene: COL18A1 (collagen type XVIII alpha 1 chain; plus strand). Cytogenetic location: 21q22.3.
Variant type: single nucleotide variant.
Coding change: c.1588C>T on transcript NM_001379500.1 (MANE Select); coding-DNA position 1588, C replaced by T.
Protein change: p.Pro530Ser; replaces proline 530 with serine.
Molecular consequence: missense variant.
Genome position (GRCh38, 1-based): chr21:45,480,835, C>T. VCF-style: chr21-45480835-C-T. GRCh37 (hg19) VCF-style: chr21-46900749-C-T.
Other names: c.2128C>T, p.Pro710Ser (NM_030582.4); c.2833C>T, p.Pro945Ser (NM_130444.3); short protein forms P530S, P945S, P710S.
Identifiers: ClinVar variation 1432075 (VCV001432075.31), dbSNP rs1276594534, ClinGen allele CA410517961.
Genomic context (GRCh38, chr21:45,480,835, plus strand): 5'-GTGAACAGCTCCGACGTCCCAGGACCCGCCGGCCTTCCTGGTGTGCCTGGGCGCGAGGGT[C>T]CCCCCGGGTTTCCTGGCCTCCCGGTAAGTCCTGCCTCCACCGTCAGTGTCGGGAGCCCTG-3'
Protein context (NP_001366429.1, residues 520-540): GLPGVPGREG[Pro530Ser]PGFPGLPGPP

ClinVar aggregate classification (germline): Uncertain significance. Review status: criteria provided, multiple submitters, no conflicts (2 of 4 stars). 2 submissions from 2 submitters: Uncertain significance (2). Last evaluated 2023-05-01.

gnomAD v4.1: 10 of 1,610,542 alleles (0.00062%); highest among the groups gnomAD compares: Non-Finnish European, 0.00085%; no homozygotes.

Submissions (2):

CeGaT Center for Human Genetics Tuebingen
Classification: Uncertain significance. Last evaluated: 2023-05-01. Review status: criteria provided, single submitter. Criteria: CeGaT Center For Human Genetics Tuebingen Variant Classification Criteria Version 2. Collection method: clinical testing. Allele origin: germline. Affected: yes. Observed: 1 variant allele.

Labcorp Genetics (formerly Invitae), Labcorp
Classification: Uncertain significance. Last evaluated: 2022-03-02. Review status: criteria provided, single submitter. Criteria: Invitae Variant Classification Sherloc (09022015). Collection method: clinical testing. Allele origin: germline.
Comment: Experimental studies and prediction algorithms are not available or were not evaluated, and the functional significance of this variant is currently unknown. This variant has not been reported in the literature in individuals affected with COL18A1-related conditions. The frequency data for this variant in the population databases is considered unreliable, as metrics indicate poor data quality at this position in the gnomAD database. This sequence change replaces proline, which is neutral and non-polar, with serine, which is neutral and polar, at codon 530 of the COL18A1 protein (p.Pro530Ser). In summary, the available evidence is currently insufficient to determine the role of this variant in disease. Therefore, it has been classified as a Variant of Uncertain Significance.